The following is an entry in ClinVar:

ClinVar aggregate classification (germline): Pathogenic (1 of 4 stars; one submission).

Conditions:
Nemaline myopathy 2 (NEM2). Also called: Nemaline myopathy 2, autosomal recessive. Identifiers: MedGen C1850569, MONDO:0009725, OMIM 256030.

Submission:

Labcorp Genetics (formerly Invitae), Labcorp
Classification: Pathogenic for Nemaline myopathy 2. Last evaluated: 2022-03-03. Review status: criteria provided, single submitter. Criteria: Invitae Variant Classification Sherloc (09022015). Collection method: clinical testing. Allele origin: germline.
Comment: This variant is not present in population databases (gnomAD no frequency). This sequence change creates a premature translational stop signal (p.Asp578Metfs*18) in the NEB gene. It is expected to result in an absent or disrupted protein product. Loss-of-function variants in NEB are known to be pathogenic (PMID: 25205138). This variant has not been reported in the literature in individuals affected with NEB-related conditions. For these reasons, this variant has been classified as Pathogenic.

Literature cited by the submitters: PubMed 25205138.

NM_001164508.2(NEB):c.1732del (p.Asp578fs)

Gene: NEB (nebulin; minus strand). Cytogenetic location: 2q23.3.
Variant type: Deletion.
Coding change: c.1732del on transcript NM_001164508.2 (MANE Select); coding-DNA position 1732, one base deleted (G; older notation c.1732delG).
Protein change: p.Asp578fs; shifts the reading frame from aspartic acid 578.
Molecular consequence: frameshift variant.
Genome position (GRCh38, 1-based): chr2:151,694,572, C deleted on the plus strand (G on the coding strand, the reverse complement: NEB is on the minus strand); the first of 2 consecutive C bases (chr2:151,694,572-151,694,573); deleting either gives the same sequence. VCF-style (leftmost placement, unchanged base first): chr2-151694571-TC-T. GRCh37 (hg19) VCF-style: chr2-152551085-TC-T.
Other names: c.1732del, p.Asp578fs (NM_001271208.2, NM_004543.5, NM_001164507.2); short protein forms D578fs.
Identifiers: ClinVar variation 2100669 (VCV002100669.4), dbSNP rs2552268640, ClinGen allele CA537030623.